The following is an entry in ClinVar:

NM_001367823.1(ARHGEF18):c.3354C>G (p.His1118Gln)

Gene: ARHGEF18 (Rho/Rac guanine nucleotide exchange factor 18; plus strand). Cytogenetic location: 19p13.2.
Variant type: single nucleotide variant.
Coding change: c.3354C>G on transcript NM_001367823.1 (MANE Select); coding-DNA position 3354, C replaced by G.
Protein change: p.His1118Gln; replaces histidine 1118 with glutamine.
Molecular consequence: missense variant.
Genome position (GRCh38, 1-based): chr19:7,467,558, C>G. VCF-style: chr19-7467558-C-G. GRCh37 (hg19) VCF-style: chr19-7532444-C-G.
Other names: c.2628C>G, p.His876Gln (NM_001130955.2); c.2316C>G, p.His772Gln (NM_001367824.1, NM_015318.4); short protein forms H772Q, H1118Q, H876Q.
Identifiers: ClinVar variation 866261 (VCV000866261.9), dbSNP rs1390347521, ClinGen allele CA403089118.

ClinVar aggregate classification (germline): Conflicting classifications of pathogenicity. Review status: criteria provided, conflicting classifications (1 of 4 stars). 3 submissions from 3 submitters: Uncertain significance (2); Likely benign (1). Last evaluated 2024-10-09.

Conditions:
Inborn genetic diseases. Identifiers: MedGen C0950123, MeSH D030342.

Allele frequency attached by ClinVar (database versions not stated): TOPMed 0.00002; gnomAD 0.00003 and 0.00004; gnomAD exomes 0.00005.
gnomAD v4.1: 31 of 1,482,996 alleles (0.0021%); highest among the groups gnomAD compares: East Asian, 0.017%; no homozygotes.

Submissions (3):

Ambry Genetics
Classification: Uncertain significance for Inborn genetic diseases. Last evaluated: 2024-10-09. Review status: criteria provided, single submitter. Criteria: Ambry Variant Classification Scheme 2023. Collection method: clinical testing. Allele origin: germline.

Blueprint Genetics
Classification: Likely benign. Last evaluated: 2024-08-09. Review status: criteria provided, single submitter. Criteria: ACMG Guidelines, 2015. Collection method: clinical testing. Allele origin: germline.

Labcorp Genetics (formerly Invitae), Labcorp
Classification: Uncertain significance. Last evaluated: 2022-08-22. Review status: criteria provided, single submitter. Criteria: Invitae Variant Classification Sherloc (09022015). Collection method: clinical testing. Allele origin: germline.
Comment: This sequence change replaces histidine, which is basic and polar, with glutamine, which is neutral and polar, at codon 930 of the ARHGEF18 protein (p.His930Gln). This variant is present in population databases (no rsID available, gnomAD 0.08%). This variant has not been reported in the literature in individuals affected with ARHGEF18-related conditions. ClinVar contains an entry for this variant (Variation ID: 866261). Algorithms developed to predict the effect of missense changes on protein structure and function output the following: SIFT: "Deleterious"; PolyPhen-2: "Benign"; Align-GVGD: "Class C15". The glutamine amino acid residue is found in multiple mammalian species, which suggests that this missense change does not adversely affect protein function. In summary, the available evidence is currently insufficient to determine the role of this variant in disease. Therefore, it has been classified as a Variant of Uncertain Significance.